The following is an entry in ClinVar:

ClinVar aggregate classification (germline): Pathogenic (1 of 4 stars; one submission).

Conditions:
Osteogenesis imperfecta type 9 (OI9). Also called: Oi type IX; OI 9; Osteogenesis imperfecta sillence type II/III without abnormality of type I collagen. Identifiers: MedGen C1850169, MONDO:0009805, OMIM 259440.

Submission:

Laboratorio de Genética, Hospital Universitario Reina Sofía
Classification: Pathogenic for Osteogenesis imperfecta type 9. Last evaluated: 2026-05-08. Review status: criteria provided, single submitter. Criteria: ACMG Guidelines, 2015. Collection method: clinical testing. Allele origin: biparental. Inheritance: Autosomal recessive inheritance. Affected: yes. Observed: 1 variant allele, 1 homozygote.
Comment: This variant is classified as Pathogenic as it meets the following ACMG/AMP criteria: PVS1 (Very Strong), since NM_000942.5(PPIB):c.205_206del is a frameshift (predicted loss-of-function) variant in PPIB, a gene in which biallelic loss-of-function is the established disease mechanism for autosomal recessive Osteogenesis Imperfecta type IX (OI-IX, OMIM #259440) — multiple independent frameshift and nonsense PPIB mutations have been reported to cause perinatal lethal to moderately severe OI-IX; PM3 (Moderate), since the variant is identified in homozygosity in the proband and both parents are confirmed heterozygous carriers, establishing biallelic inheritance consistent with the autosomal recessive pattern of PPIB-related disease; and PM2 (Moderate), as the variant is absent or extremely rare in population databases. The combination of PVS1 (Very Strong) + PM3 (Moderate) + PM2 (Moderate) exceeds the threshold for Pathogenic classification under ACMG/AMP rules (equivalent to PVS1 + ≥2 moderate criteria). Clinically, PPIB encodes Cyclophilin B (CyPB), the third component of the collagen prolyl 3-hydroxylation complex (P3H1/CRTAP/CyPB); its loss impairs collagen folding via PPIase activity and disrupts LH1-mediated lysine hydroxylation critical for collagen crosslinking, leading to bone fragility. The phenotypic spectrum of biallelic PPIB null mutations ranges from moderately severe to perinatal lethal OI, characteristically without rhizomelia (distinguishing it from OI types VII and VIII), and with white sclerae and broad undertubulated long bones.

NM_000942.5(PPIB):c.205_206del (p.Val69fs)

Gene: PPIB (peptidylprolyl isomerase B; minus strand). Cytogenetic location: 15q22.31.
Variant type: Deletion.
Coding change: c.205_206del on transcript NM_000942.5 (MANE Select); coding-DNA positions 205 to 206, 2 bases deleted (GT; older notation c.205_206delGT).
Protein change: p.Val69fs; shifts the reading frame from valine 69.
Molecular consequence: frameshift variant.
Genome position (GRCh38, 1-based): chr15:64,162,084-64,162,085, AC deleted on the plus strand (GT on the coding strand, the reverse complement: PPIB is on the minus strand); deleting any 2 consecutive bases within chr15:64,162,084-64,162,086 gives the same sequence; the c. name uses the placement nearest the transcript's 3' end. VCF-style (leftmost placement, unchanged base first): chr15-64162083-AAC-A. GRCh37 (hg19) VCF-style: chr15-64454282-AAC-A.
Other names: short protein forms V69fs.
Identifiers: ClinVar variation 5020058 (VCV005020058.1).